The following is an entry in ClinVar:

NM_001904.4(CTNNB1):c.2157T>G (p.Phe719Leu)

Gene: CTNNB1 (catenin beta 1; plus strand). Cytogenetic location: 3p22.1.
Variant type: single nucleotide variant.
Coding change: c.2157T>G on transcript NM_001904.4 (MANE Select); coding-DNA position 2157, T replaced by G.
Protein change: p.Phe719Leu; replaces phenylalanine 719 with leucine.
Molecular consequence: missense variant.
Genome position (GRCh38, 1-based): chr3:41,239,153, T>G. VCF-style: chr3-41239153-T-G. GRCh37 (hg19) VCF-style: chr3-41280644-T-G.
Other names: c.2157T>G, p.Phe719Leu (NM_001098209.2, NM_001098210.2); c.2136T>G, p.Phe712Leu (NM_001330729.2); short protein forms F712L, F719L.
Identifiers: ClinVar variation 1049108 (VCV001049108.1), dbSNP rs1230378066, ClinGen allele CA352237286.

ClinVar aggregate classification (germline): Uncertain significance (0 of 4 stars; one submission).

Allele frequency attached by ClinVar (database versions not stated): gnomAD exomes below 0.00001 and 0.00002; TOPMed below 0.00001; gnomAD 0.00001.
gnomAD v4.1: 31 of 1,614,060 alleles (0.0019%); highest among the groups gnomAD compares: Non-Finnish European, 0.0025%; no homozygotes.

Submission:

Department of Pathology and Laboratory Medicine, Sinai Health System
Classification: Uncertain significance. Review status: no assertion criteria provided. Collection method: clinical testing. Allele origin: unknown. Affected: yes. Study: The Canadian Open Genetics Repository (COGR).
Comment: The CTNNB1 p.Phe719Leu variant was not identified in the literature nor was it identified in ClinVar. The variant was identified in dbSNP (ID: rs1230378066) and in control databases in 1 of 251072 chromosomes at a frequency of 0.000003983 (Genome Aggregation Database March 6, 2019, v2.1.1). The variant was observed in the European (non-Finnish) population in 1 of 113406 chromosomes (freq: 0.000009), but was not observed in the African, Latino, Ashkenazi Jewish, East Asian, European (Finnish), Other, or South Asian populations. The p.Phe719 residue is conserved in mammals and computational analyses (PolyPhen-2, SIFT, AlignGVGD, BLOSUM, MutationTaster) provide inconsistent predictions regarding the impact to the protein; this information is not very predictive of pathogenicity. The variant occurs outside of the splicing consensus sequence and in silico or computational prediction software programs (SpliceSiteFinder, MaxEntScan, NNSPLICE, GeneSplicer) do not predict a difference in splicing. In summary, based on the above information the clinical significance of this variant cannot be determined with certainty at this time. This variant is classified as a variant of uncertain significance.